The following is an entry in ClinVar:

ClinVar aggregate classification (germline): Uncertain significance (1 of 4 stars; one submission).

Conditions:
Pitt-Hopkins-like syndrome 2 (PTHSL2). Identifiers: Orphanet 221150, Orphanet 600663, MedGen C3280479, MONDO:0013690, OMIM 614325.

Allele frequency attached by ClinVar (database versions not stated): gnomAD exomes below 0.00001.
gnomAD v4.1: 1 of 1,404,264 alleles (0.000071%); highest among the groups gnomAD compares: East Asian, 0.0026%; no homozygotes.

Submission:

Labcorp Genetics (formerly Invitae), Labcorp
Classification: Uncertain significance for Pitt-Hopkins-like syndrome 2. Last evaluated: 2022-11-01. Review status: criteria provided, single submitter. Criteria: Invitae Variant Classification Sherloc (09022015). Collection method: clinical testing. Allele origin: germline.
Comment: In summary, the available evidence is currently insufficient to determine the role of this variant in disease. Therefore, it has been classified as a Variant of Uncertain Significance. This sequence change replaces lysine, which is basic and polar, with glutamic acid, which is acidic and polar, at codon 308 of the NRXN1 protein (p.Lys308Glu). This variant is not present in population databases (gnomAD no frequency). This variant has not been reported in the literature in individuals affected with NRXN1-related conditions. Algorithms developed to predict the effect of missense changes on protein structure and function are either unavailable or do not agree on the potential impact of this missense change (SIFT: "Deleterious"; PolyPhen-2: "Benign"; Align-GVGD: "Class C0"). Algorithms developed to predict the effect of sequence changes on RNA splicing suggest that this variant may disrupt the consensus splice site.

NM_001330078.2(NRXN1):c.823A>G (p.Lys275Glu)

Gene: NRXN1 (neurexin 1; minus strand). Cytogenetic location: 2p16.3.
Variant type: single nucleotide variant.
Coding change: c.823A>G on transcript NM_001330078.2 (MANE Select); coding-DNA position 823, A replaced by G.
Protein change: p.Lys275Glu; replaces lysine 275 with glutamic acid.
Molecular consequence: missense variant. On other transcripts: intron variant (6).
Genome position (GRCh38, 1-based): chr2:50,921,878, T>C on the plus strand (A>G on the coding strand, the complement: NRXN1 is on the minus strand). VCF-style: chr2-50921878-T-C. GRCh37 (hg19) VCF-style: chr2-51149016-T-C.
Other names: c.922A>G, p.Lys308Glu (NM_001135659.3); c.823A>G, p.Lys275Glu (NM_001330077.2, NM_001330081.2, NM_001330082.2 and 5 more transcripts); c.820A>G, p.Lys274Glu (NM_001330079.2, NM_001330093.2); c.772+105624A>G (NM_001330096.2, NM_001330087.2, NM_001330083.2 and 1 more transcripts); c.802+780A>G (NM_001330088.2); c.820+780A>G (NM_001330094.2); short protein forms K275E, K308E, K274E.
Identifiers: ClinVar variation 1983327 (VCV001983327.3), dbSNP rs1156515102, ClinGen allele CA346822803.